The following is an entry in ClinVar:

ClinVar aggregate classification (germline): Uncertain significance (1 of 4 stars; one submission).

Conditions:
Emery-Dreifuss muscular dystrophy 5, autosomal dominant (EDMD5). Also called: EMERY-DREIFUSS MUSCULAR DYSTROPHY 5. Identifiers: Orphanet 261, MedGen C2751805, MONDO:0013072, OMIM 612999.

Allele frequency attached by ClinVar (database versions not stated): gnomAD exomes below 0.00001; ExAC 0.00001.

Submission:

Labcorp Genetics (formerly Invitae), Labcorp
Classification: Uncertain significance for Emery-Dreifuss muscular dystrophy 5, autosomal dominant. Last evaluated: 2026-01-19. Review status: criteria provided, single submitter. Criteria: Invitae Variant Classification Sherloc (09022015). Collection method: clinical testing. Allele origin: germline.
Comment: This sequence change replaces lysine, which is basic and polar, with glutamic acid, which is acidic and polar, at codon 5005 of the SYNE2 protein (p.Lys5005Glu). This variant is present in population databases (rs766315982, gnomAD 0.0009%). This variant has not been reported in the literature in individuals affected with SYNE2-related conditions. ClinVar contains an entry for this variant (Variation ID: 1909055). An algorithm developed to predict the effect of missense changes on protein structure and function (PolyPhen-2) suggests that this variant is likely to be disruptive. In summary, the available evidence is currently insufficient to determine the role of this variant in disease. Therefore, it has been classified as a Variant of Uncertain Significance.

NM_182914.3(SYNE2):c.15013A>G (p.Lys5005Glu)

Gene: SYNE2 (spectrin repeat containing nuclear envelope protein 2; plus strand). Cytogenetic location: 14q23.2.
Variant type: single nucleotide variant.
Coding change: c.15013A>G on transcript NM_182914.3 (MANE Select); coding-DNA position 15013, A replaced by G.
Protein change: p.Lys5005Glu; replaces lysine 5005 with glutamic acid.
Molecular consequence: missense variant.
Genome position (GRCh38, 1-based): chr14:64,141,377, A>G. VCF-style: chr14-64141377-A-G. GRCh37 (hg19) VCF-style: chr14-64608095-A-G.
Other names: c.15013A>G, p.Lys5005Glu (NM_015180.6); short protein forms K5005E.
Identifiers: ClinVar variation 1909055 (VCV001909055.5), dbSNP rs766315982, ClinGen allele CA7222959.